The following is an entry in ClinVar:

ClinVar aggregate classification (germline): Pathogenic (1 of 4 stars; one submission).

Conditions:
Polycystic kidney disease, adult type (PKD1). Also called: Polycystic Kidney Disease 1, Autosomal Dominant; Polycystic kidney disease 1; Polycystic kidney disease 1, severe; POLYCYSTIC KIDNEY DISEASE, ADULT, TYPE I; Polycystic Kidney, Autosomal Dominant; POLYCYSTIC KIDNEY DISEASE 1 WITH OR WITHOUT POLYCYSTIC LIVER DISEASE. Identifiers: MedGen C3149841, MONDO:0008263, OMIM 173900.

Submission:

Daryl Scott Lab, Baylor College of Medicine
Classification: Pathogenic for Polycystic kidney disease, adult type. Last evaluated: 2024-01-01. Review status: criteria provided, single submitter. Criteria: ACMG Guidelines, 2015. Collection method: clinical testing. Allele origin: maternal. Affected: yes. Observed: 1 heterozygote.
Comment: PVS1, PM2

NM_001009944.3(PKD1):c.11685_11695del (p.Gly3896fs)

Genes: PKD1 (polycystin 1, transient receptor potential channel interacting; minus strand), PKD1-AS1 (PKD1 antisense RNA 1; plus strand). Cytogenetic location: 16p13.3.
Variant type: Deletion.
Coding change: c.11685_11695del on transcript NM_001009944.3 (MANE Select); coding-DNA positions 11685 to 11695, 11 bases deleted (GGGCCTCTCGC).
Protein change: p.Gly3896fs; shifts the reading frame from glycine 3896.
Molecular consequence: frameshift variant. On other transcripts: non-coding transcript variant (1).
Genome position (GRCh38, 1-based): chr16:2,091,440-2,091,450, GCGAGAGGCCC deleted on the plus strand (GGGCCTCTCGC on the coding strand, the reverse complement: PKD1 is on the minus strand); deleting any 11 consecutive bases within chr16:2,091,440-2,091,453 gives the same sequence; the c. name uses the placement nearest the transcript's 3' end. VCF-style (leftmost placement, unchanged base first): chr16-2091439-AGCGAGAGGCCC-A. GRCh37 (hg19) VCF-style: chr16-2141440-AGCGAGAGGCCC-A.
Other names: c.11682_11692del, p.Gly3895fs (NM_000296.4); c.11685_11695del11 (NM_001009944.3); short protein forms G3895fs, G3896fs.
Identifiers: ClinVar variation 3764604 (VCV003764604.1).